The following is an entry in ClinVar:

ClinVar aggregate classification (germline): Likely benign. Review status: criteria provided, multiple submitters, no conflicts (2 of 4 stars). 2 submissions from 2 submitters: Likely benign (2). Last evaluated 2026-01-16.

Conditions:
Congenital disorder of glycosylation, type Ii. Also called: CDG Ii; ALG2-CDG; ALG2-congenital disorder of glycosylation. Identifiers: Orphanet 79326, MedGen C1842836, MONDO:0011933, OMIM 607906.
Congenital myasthenic syndrome 14. Also called: Myasthenic syndrome, congenital, 14, with tubular aggregates. Identifiers: Orphanet 353327, Orphanet 590, MedGen C4015597, MONDO:0014543, OMIM 616228.

Allele frequency attached by ClinVar (database versions not stated): gnomAD 0.00001; TOPMed below 0.00001; ESP Exome Variant Server 0.00009; gnomAD exomes 0.00003.

Submissions (2):

Labcorp Genetics (formerly Invitae), Labcorp
Classification: Likely benign for Congenital disorder of glycosylation, type Ii; Congenital myasthenic syndrome 14. Last evaluated: 2026-01-16. Review status: criteria provided, single submitter. Criteria: Invitae Variant Classification Sherloc (09022015). Collection method: clinical testing. Allele origin: germline.

GeneDx
Classification: Likely benign. Last evaluated: 2017-07-31. Review status: criteria provided, single submitter. Criteria: GeneDx Variant Classification (06012015). Collection method: clinical testing. Allele origin: germline. Affected: yes.
Comment: This variant is considered likely benign or benign based on one or more of the following criteria: it is a conservative change, it occurs at a poorly conserved position in the protein, it is predicted to be benign by multiple in silico algorithms, and/or has population frequency not consistent with disease.

NM_033087.4(ALG2):c.303G>A (p.Val101=)

Gene: ALG2 (ALG2 alpha-1,3/1,6-mannosyltransferase; minus strand). Cytogenetic location: 9q22.33.
Variant type: single nucleotide variant.
Coding change: c.303G>A on transcript NM_033087.4 (MANE Select); coding-DNA position 303, G replaced by A.
Protein change: p.Val101=; no amino-acid change (valine 101 retained).
Molecular consequence: synonymous variant. On other transcripts: non-coding transcript variant (1).
Genome position (GRCh38, 1-based): chr9:99,221,592, C>T on the plus strand (G>A on the coding strand, the complement: ALG2 is on the minus strand). VCF-style: chr9-99221592-C-T. GRCh37 (hg19) VCF-style: chr9-101983874-C-T.
Identifiers: ClinVar variation 510878 (VCV000510878.8), dbSNP rs371910648, ClinGen allele CA196855941.